The following is an entry in ClinVar:

NM_001083962.2(TCF4):c.500-88G>A

Gene: TCF4 (transcription factor 4; minus strand). Cytogenetic location: 18q21.2.
Variant type: single nucleotide variant.
Coding change: c.500-88G>A on transcript NM_001083962.2 (MANE Select); 88 bases into the intron before coding-DNA position 500, G replaced by A.
Molecular consequence: intron variant.
Genome position (GRCh38, 1-based): chr18:55,350,496, C>T on the plus strand (G>A on the coding strand, the complement: TCF4 is on the minus strand). VCF-style: chr18-55350496-C-T. GRCh37 (hg19) VCF-style: chr18-53017727-C-T.
Other names: c.806-88G>A (NM_001243226.3); c.425-88G>A (NM_001369584.1, NM_001369576.1, NM_001369585.1 and 3 more transcripts); c.428-88G>A (NM_001369577.1, NM_001369582.1, NM_001243227.2 and 9 more transcripts); c.500-88G>A (NM_001369571.1, NM_001369567.1, NM_001243228.2 and 5 more transcripts); c.494-88G>A (NM_001243230.2); c.497-88G>A (NM_001369569.1, NM_001369573.1, NM_001369570.1); c.374-88G>A (NM_001243231.2, NM_001348211.2); c.110-88G>A (NM_001348212.2, NM_001348213.2, NM_001243233.2 and 1 more transcripts); and 1 more.
Identifiers: ClinVar variation 670813 (VCV000670813.2), dbSNP rs147845905, ClinGen allele CA301134104.

ClinVar aggregate classification (germline): Likely benign. Review status: criteria provided, multiple submitters, no conflicts (2 of 4 stars). 2 submissions from 2 submitters: Likely benign (2). Last evaluated 2018-06-19.

Allele frequency attached by ClinVar (database versions not stated): 1000 Genomes Project 30x 0.01187; 1000 Genomes Project 0.01238; gnomAD 0.02272 and 0.02315; TOPMed 0.02348.
gnomAD v4.1: 39,043 of 1,344,806 alleles (2.9%); highest among the groups gnomAD compares: Non-Finnish European, 3.5%; 722 homozygotes.

Submissions (2):

GeneDx
Classification: Likely benign. Last evaluated: 2018-06-19. Review status: criteria provided, single submitter. Criteria: GeneDx Variant Classification (06012015). Collection method: clinical testing. Allele origin: germline. Affected: yes.
Comment: This variant is considered likely benign or benign based on one or more of the following criteria: it is a conservative change, it occurs at a poorly conserved position in the protein, it is predicted to be benign by multiple in silico algorithms, and/or has population frequency not consistent with disease.

Breakthrough Genomics
Classification: Likely benign. Review status: criteria provided, single submitter. Criteria: ACMG Guidelines, 2015. Collection method: not provided. Allele origin: germline. Inheritance: Autosomal dominant inheritance. Affected: yes.